The following is an entry in ClinVar:

NM_001876.4(CPT1A):c.1983C>T (p.Tyr661=)

Gene: CPT1A (carnitine palmitoyltransferase 1A; minus strand). Cytogenetic location: 11q13.3.
Variant type: single nucleotide variant.
Coding change: c.1983C>T on transcript NM_001876.4 (MANE Select); coding-DNA position 1983, C replaced by T.
Protein change: p.Tyr661=; no amino-acid change (tyrosine 661 retained).
Molecular consequence: synonymous variant.
Genome position (GRCh38, 1-based): chr11:68,761,580, G>A on the plus strand (C>T on the coding strand, the complement: CPT1A is on the minus strand). VCF-style: chr11-68761580-G-A. GRCh37 (hg19) VCF-style: chr11-68529048-G-A.
Other names: c.1983C>T, p.Tyr661= (NM_001031847.3).
Identifiers: ClinVar variation 387345 (VCV000387345.16), dbSNP rs374136875, ClinGen allele CA6152137.
Genomic context (GRCh38, chr11:68,761,580, plus strand): 5'-GTGGAAGAGACTTACTTCCTTAAGGAAAGGGGACTCCACAGCGAGATATTTAGACACCAC[G>A]TAAAGGCAGAAGAGGTGACGATCGATCCCAGAGCCGGTCATGGCGAGGCGATACATATGC-3'
Protein context (NP_001867.2, residues 651-671): SGIDRHLFCL[Tyr661=]VVSKYLAVES

ClinVar aggregate classification (germline): Likely benign. Review status: criteria provided, multiple submitters, no conflicts (2 of 4 stars). 5 submissions from 5 submitters: Likely benign (4). 1 of the submissions does not count toward it. Last evaluated 2025-11-16.

Conditions:
CPT1A-related disorder. Also called: CPT1A-related condition.
Carnitine palmitoyl transferase 1A deficiency. Also called: Carnitine palmitoyltransferase type I deficiency; CPT I DEFICIENCY; CPT DEFICIENCY, HEPATIC, TYPE I; Carnitine palmitoyltransferase 1A deficiency; CPT deficiency, hepatic, type IA. Identifiers: Orphanet 156, MedGen C1829703, MONDO:0009705, OMIM 255120.

Allele frequency attached by ClinVar (database versions not stated): 1000 Genomes Project 0.00020; 1000 Genomes Project 30x 0.00031; gnomAD 0.00036; TOPMed 0.00043; gnomAD exomes 0.00004 and 0.00014; ESP Exome Variant Server 0.00008; ExAC 0.00018.
gnomAD v4.1: 122 of 1,614,084 alleles (0.0076%); highest among the groups gnomAD compares: African/African-American, 0.11%; no homozygotes.

Submissions (5):

Labcorp Genetics (formerly Invitae), Labcorp
Classification: Likely benign for Carnitine palmitoyl transferase 1A deficiency. Last evaluated: 2025-11-16. Review status: criteria provided, single submitter. Criteria: Invitae Variant Classification Sherloc (09022015). Collection method: clinical testing. Allele origin: germline.

Blueprint Genetics
Classification: Likely benign. Last evaluated: 2023-12-28. Review status: criteria provided, single submitter. Criteria: ACMG Guidelines, 2015. Collection method: clinical testing. Allele origin: germline.

GeneDx
Classification: Likely benign. Last evaluated: 2016-10-31. Review status: criteria provided, single submitter. Criteria: GeneDx Variant Classification (06012015). Collection method: clinical testing. Allele origin: germline. Affected: yes.
Comment: This variant is considered likely benign or benign based on one or more of the following criteria: it is a conservative change, it occurs at a poorly conserved position in the protein, it is predicted to be benign by multiple in silico algorithms, and/or has population frequency not consistent with disease.

Breakthrough Genomics
Classification: Likely benign. Review status: criteria provided, single submitter. Criteria: ACMG Guidelines, 2015. Collection method: not provided. Allele origin: germline. Inheritance: Autosomal recessive inheritance. Affected: yes.

PreventionGenetics, part of Exact Sciences
Classification: Likely benign for CPT1A-related condition. Last evaluated: 2021-08-11. Review status: no assertion criteria provided. Collection method: clinical testing. Allele origin: germline. Not counted in ClinVar's aggregate classification.
Comment: This variant is classified as likely benign based on ACMG/AMP sequence variant interpretation guidelines (Richards et al. 2015 PMID: 25741868, with internal and published modifications).